The following is an entry in ClinVar:

ClinVar aggregate classification (germline): Benign/Likely benign. Review status: criteria provided, multiple submitters, no conflicts (2 of 4 stars). 5 submissions from 5 submitters: Benign (2); Likely benign (2). 1 of the submissions does not count toward it. Last evaluated 2026-01-31.

Conditions:
Charcot-Marie-Tooth disease type 2. Also called: Charcot-Marie-Tooth type 2. Identifiers: Orphanet 64746, MedGen C0270914, MONDO:0018993.
KIF1B-related disorder. Also called: KIF1B-related condition.
Charcot-Marie-Tooth disease. Also called: Charcot-Marie-Tooth Neuropathy; Charcot-Marie-Tooth Hereditary Neuropathy. Identifiers: Orphanet 166, MedGen C0007959, MONDO:0015626.

Allele frequency attached by ClinVar (database versions not stated): 1000 Genomes Project 30x 0.00141; ESP Exome Variant Server 0.00154; 1000 Genomes Project 0.00160; gnomAD 0.00184 and 0.00200; TOPMed 0.00215.
gnomAD v4.1: 569 of 1,614,104 alleles (0.035%); highest among the groups gnomAD compares: African/African-American, 0.69%; 5 homozygotes.

Submissions (5):

Labcorp Genetics (formerly Invitae), Labcorp
Classification: Benign for Charcot-Marie-Tooth disease type 2. Last evaluated: 2026-01-31. Review status: criteria provided, single submitter. Criteria: Invitae Variant Classification Sherloc (09022015). Collection method: clinical testing. Allele origin: germline.

Blueprint Genetics
Classification: Likely benign. Last evaluated: 2024-05-27. Review status: criteria provided, single submitter. Criteria: ACMG Guidelines, 2015. Collection method: clinical testing. Allele origin: germline.

Ambry Genetics
Classification: Likely benign. Last evaluated: 2020-08-10. Review status: criteria provided, single submitter. Criteria: Ambry Variant Classification Scheme 2023. Collection method: clinical testing. Allele origin: germline.

Molecular Genetics Laboratory, London Health Sciences Centre
Classification: Benign for Charcot-Marie-Tooth disease. Review status: criteria provided, single submitter. Criteria: ACMG Guidelines, 2015. Collection method: clinical testing. Allele origin: germline. Affected: yes.

PreventionGenetics, part of Exact Sciences
Classification: Benign for KIF1B-related condition. Last evaluated: 2019-08-20. Review status: no assertion criteria provided. Collection method: clinical testing. Allele origin: germline. Not counted in ClinVar's aggregate classification.
Comment: This variant is classified as benign based on ACMG/AMP sequence variant interpretation guidelines (Richards et al. 2015 PMID: 25741868, with internal and published modifications).

NM_001365951.3(KIF1B):c.2970C>A (p.Ile990=)

Gene: KIF1B (kinesin family member 1B; plus strand). Cytogenetic location: 1p36.22.
Variant type: single nucleotide variant.
Coding change: c.2970C>A on transcript NM_001365951.3 (MANE Select); coding-DNA position 2970, C replaced by A.
Protein change: p.Ile990=; no amino-acid change (isoleucine 990 retained).
Molecular consequence: synonymous variant.
Genome position (GRCh38, 1-based): chr1:10,334,565, C>A. VCF-style: chr1-10334565-C-A. GRCh37 (hg19) VCF-style: chr1-10394623-C-A.
Other names: c.2970C>A, p.Ile990= (NM_001365952.1); c.2832C>A, p.Ile944= (NM_015074.3).
Identifiers: ClinVar variation 476784 (VCV000476784.18), dbSNP rs78611156, ClinGen allele CA581655.
Genomic context (GRCh38, chr1:10,334,565, plus strand): 5'-GGTTTCTGTCTTTAGGGCATTTGTTTACCTGAGCAATCTGCTGTATCCCGTGCCCCTGAT[C>A]CACAGGGTGGCCATCGTCAGTGAGAAAGGTGAAGTGCGGGGATTTCTGCGTGTGGCTGTA-3'
Protein context (NP_001352880.1, residues 980-1000): LSNLLYPVPL[Ile990=]HRVAIVSEKG